The following is an entry in ClinVar:

ClinVar aggregate classification (germline): Uncertain significance. Review status: criteria provided, multiple submitters, no conflicts (2 of 4 stars). 3 submissions from 3 submitters: Uncertain significance (3). Last evaluated 2025-08-28.

Conditions:
Inborn genetic diseases. Identifiers: MedGen C0950123, MeSH D030342.

Allele frequency attached by ClinVar (database versions not stated): gnomAD exomes below 0.00001 and 0.00002; ExAC 0.00001; gnomAD 0.00001; TOPMed 0.00003.
gnomAD v4.1: 25 of 1,613,564 alleles (0.0015%); highest among the groups gnomAD compares: South Asian, 0.0033%; no homozygotes.

Submissions (3):

Ambry Genetics
Classification: Uncertain significance for Inborn genetic diseases. Last evaluated: 2025-08-28. Review status: criteria provided, single submitter. Criteria: Ambry Variant Classification Scheme 2023. Collection method: clinical testing. Allele origin: germline.

Labcorp Genetics (formerly Invitae), Labcorp
Classification: Uncertain significance. Last evaluated: 2022-08-25. Review status: criteria provided, single submitter. Criteria: Invitae Variant Classification Sherloc (09022015). Collection method: clinical testing. Allele origin: germline.
Comment: In summary, the available evidence is currently insufficient to determine the role of this variant in disease. Therefore, it has been classified as a Variant of Uncertain Significance. Algorithms developed to predict the effect of missense changes on protein structure and function are either unavailable or do not agree on the potential impact of this missense change (SIFT: "Deleterious"; PolyPhen-2: "Benign"; Align-GVGD: "Class C0"). ClinVar contains an entry for this variant (Variation ID: 1163711). This variant has not been reported in the literature in individuals affected with SEPT9-related conditions. This variant is present in population databases (rs752352921, gnomAD 0.0009%). This sequence change replaces glutamic acid, which is acidic and polar, with lysine, which is basic and polar, at codon 19 of the SEPT9 protein (p.Glu19Lys).

Mayo Clinic Laboratories, Mayo Clinic
Classification: Uncertain significance. Last evaluated: 2020-04-13. Review status: criteria provided, single submitter. Criteria: ACMG Guidelines, 2015. Collection method: clinical testing. Allele origin: germline. Observed: 1 variant allele.

NM_001113491.2(SEPTIN9):c.109G>A (p.Glu37Lys)

Gene: SEPTIN9 (septin 9; plus strand). Cytogenetic location: 17q25.3.
Variant type: single nucleotide variant.
Coding change: c.109G>A on transcript NM_001113491.2 (MANE Select); coding-DNA position 109, G replaced by A.
Protein change: p.Glu37Lys; replaces glutamic acid 37 with lysine.
Molecular consequence: missense variant. On other transcripts: 5 prime UTR variant (2).
Genome position (GRCh38, 1-based): chr17:77,402,091, G>A. VCF-style: chr17-77402091-G-A. GRCh37 (hg19) VCF-style: chr17-75398173-G-A.
Other names: c.-384G>A (NM_001113492.2, NM_001113494.1); c.88G>A, p.Glu30Lys (NM_001113493.2); c.52G>A, p.Glu18Lys (NM_001293695.2); c.55G>A, p.Glu19Lys (NM_006640.5); short protein forms E18K, E19K, E30K, E37K.
Identifiers: ClinVar variation 1163711 (VCV001163711.10), dbSNP rs752352921, ClinGen allele CA8793122.